The following is an entry in ClinVar:

ClinVar aggregate classification (germline): Uncertain significance. Review status: criteria provided, multiple submitters, no conflicts (2 of 4 stars). 5 submissions from 5 submitters: Uncertain significance (4). 1 of the submissions does not count toward it. Last evaluated 2025-09-28.

Conditions:
Hereditary cancer-predisposing syndrome. Also called: Hereditary neoplastic syndrome; Neoplastic Syndromes, Hereditary; Tumor predisposition; Hereditary Cancer Syndrome. Identifiers: Orphanet 140162, MedGen C0027672, MeSH D009386, MONDO:0015356.
Familial cancer of breast. Also called: BREAST CANCER, FAMILIAL; Hereditary breast cancer; hereditary breast carcinoma. Identifiers: Orphanet 227535, MedGen C0346153, MONDO:0016419, OMIM 114480. Disease mechanism: loss of function.
Ataxia-telangiectasia syndrome (AT). Also called: LOUIS-BAR SYNDROME; Cerebello-oculocutaneous telangiectasia; Immunodeficiency with ataxia telangiectasia; AT, COMPLEMENTATION GROUP C; Ataxia-telangiectasia, complementation group D; ATAXIA-TELANGIECTASIA, COMPLEMENTATION GROUP A. Identifiers: Orphanet 100, MedGen C0004135, MONDO:0008840, OMIM 208900.

Allele frequency attached by ClinVar (database versions not stated): TOPMed below 0.00001; ExAC 0.00005; gnomAD exomes 0.00001 and 0.00002.
gnomAD v4.1: 8 of 1,613,988 alleles (0.0005%); highest among the groups gnomAD compares: Non-Finnish European, 0.00068%; no homozygotes.

Submissions (5):

Labcorp Genetics (formerly Invitae), Labcorp
Classification: Uncertain significance for Ataxia-telangiectasia syndrome. Last evaluated: 2025-09-28. Review status: criteria provided, single submitter. Criteria: Invitae Variant Classification Sherloc (09022015). Collection method: clinical testing. Allele origin: germline.
Comment: This sequence change replaces alanine, which is neutral and non-polar, with valine, which is neutral and non-polar, at codon 1024 of the ATM protein (p.Ala1024Val). This variant is present in population databases (rs746133264, gnomAD 0.005%). This variant has not been reported in the literature in individuals affected with ATM-related conditions. ClinVar contains an entry for this variant (Variation ID: 485230). Invitae Evidence Modeling of protein sequence and biophysical properties (such as structural, functional, and spatial information, amino acid conservation, physicochemical variation, residue mobility, and thermodynamic stability) indicates that this missense variant is not expected to disrupt ATM protein function with a negative predictive value of 95%. In summary, the available evidence is currently insufficient to determine the role of this variant in disease. Therefore, it has been classified as a Variant of Uncertain Significance.

Ambry Genetics
Classification: Uncertain significance for Hereditary cancer-predisposing syndrome. Last evaluated: 2024-04-27. Review status: criteria provided, single submitter. Criteria: Ambry Variant Classification Scheme 2023. Collection method: clinical testing. Allele origin: germline.
Comment: The p.A1024V variant (also known as c.3071C>T), located in coding exon 19 of the ATM gene, results from a C to T substitution at nucleotide position 3071. The alanine at codon 1024 is replaced by valine, an amino acid with similar properties. This amino acid position is highly conserved in available vertebrate species. In addition, this alteration is predicted to be tolerated by in silico analysis. Since supporting evidence is limited at this time, the clinical significance of this alteration remains unclear.

Baylor Genetics
Classification: Uncertain significance for Familial cancer of breast. Last evaluated: 2023-07-23. Review status: criteria provided, single submitter. Criteria: ACMG Guidelines, 2015. Collection method: clinical testing. Allele origin: unknown.

Athena Diagnostics
Classification: Uncertain significance. Last evaluated: 2022-03-04. Review status: criteria provided, single submitter. Criteria: Athena Diagnostics Criteria. Collection method: clinical testing. Allele origin: unknown.

Natera, Inc.
Classification: Uncertain significance for Ataxia-telangiectasia. Last evaluated: 2020-01-24. Review status: no assertion criteria provided. Collection method: clinical testing. Allele origin: germline. Not counted in ClinVar's aggregate classification.

NM_000051.4(ATM):c.3071C>T (p.Ala1024Val)

Gene: ATM (ATM serine/threonine kinase; plus strand). Cytogenetic location: 11q22.3.
Variant type: single nucleotide variant.
Coding change: c.3071C>T on transcript NM_000051.4 (MANE Select); coding-DNA position 3071, C replaced by T.
Protein change: p.Ala1024Val; replaces alanine 1024 with valine.
Molecular consequence: missense variant.
Genome position (GRCh38, 1-based): chr11:108,271,400, C>T. VCF-style: chr11-108271400-C-T. GRCh37 (hg19) VCF-style: chr11-108142127-C-T.
Other names: c.3071C>T, p.Ala1024Val (NM_001351834.2); short protein forms A1024V.
Identifiers: ClinVar variation 485230 (VCV000485230.18), dbSNP rs746133264, ClinGen allele CA6265176.